The following is an entry in ClinVar:

ClinVar aggregate classification (germline): Uncertain significance. Review status: criteria provided, multiple submitters, no conflicts (2 of 4 stars). 3 submissions from 3 submitters: Uncertain significance (3). Last evaluated 2025-01-18.

Conditions:
Inborn genetic diseases. Identifiers: MedGen C0950123, MeSH D030342.
Pterin-4 alpha-carbinolamine dehydratase 1 deficiency. Also called: Hyperphenylalaninemia due to dehydratase deficiency; CADH DEFICIENCY; HYPERPHENYLALANINEMIA WITH PRIMAPTERINURIA; HYPERPHENYLALANINEMIA, TETRAHYDROBIOPTERIN-DEFICIENT, DUE TO PTERIN-4-ALPHA-CARBINOLAMINE DEHYDRATASE DEFICIENCY. Identifiers: Orphanet 1578, Orphanet 238583, MedGen C1849700, MONDO:0009908, OMIM 264070.

Allele frequency attached by ClinVar (database versions not stated): gnomAD 0.00004 and 0.00005; gnomAD exomes 0.00004; ExAC 0.00006; 1000 Genomes Project 0.00020; 1000 Genomes Project 30x 0.00031.

Submissions (3):

Ambry Genetics
Classification: Uncertain significance for Inborn genetic diseases. Last evaluated: 2025-01-18. Review status: criteria provided, single submitter. Criteria: Ambry Variant Classification Scheme 2023. Collection method: clinical testing. Allele origin: germline.

Labcorp Genetics (formerly Invitae), Labcorp
Classification: Uncertain significance for Pterin-4 alpha-carbinolamine dehydratase 1 deficiency. Last evaluated: 2024-10-28. Review status: criteria provided, single submitter. Criteria: Invitae Variant Classification Sherloc (09022015). Collection method: clinical testing. Allele origin: germline.
Comment: This sequence change replaces arginine, which is basic and polar, with tryptophan, which is neutral and slightly polar, at codon 88 of the PCBD1 protein (p.Arg88Trp). This variant is present in population databases (rs564505637, gnomAD 0.009%). This variant has not been reported in the literature in individuals affected with PCBD1-related conditions. ClinVar contains an entry for this variant (Variation ID: 1384033). An algorithm developed to predict the effect of missense changes on protein structure and function (PolyPhen-2) suggests that this variant is likely to be disruptive. Algorithms developed to predict the effect of sequence changes on RNA splicing suggest that this variant may disrupt the consensus splice site. In summary, the available evidence is currently insufficient to determine the role of this variant in disease. Therefore, it has been classified as a Variant of Uncertain Significance.

Fulgent Genetics
Classification: Uncertain significance for Pterin-4 alpha-carbinolamine dehydratase 1 deficiency. Last evaluated: 2024-04-03. Review status: criteria provided, single submitter. Criteria: ACMG Guidelines, 2015. Collection method: clinical testing. Allele origin: germline.

NM_000281.4(PCBD1):c.262C>T (p.Arg88Trp)

Gene: PCBD1 (pterin-4 alpha-carbinolamine dehydratase 1; minus strand). Cytogenetic location: 10q22.1.
Variant type: single nucleotide variant.
Coding change: c.262C>T on transcript NM_000281.4 (MANE Select); coding-DNA position 262, C replaced by T.
Protein change: p.Arg88Trp; replaces arginine 88 with tryptophan.
Molecular consequence: missense variant. On other transcripts: intron variant (1).
Genome position (GRCh38, 1-based): chr10:70,884,003, G>A on the plus strand (C>T on the coding strand, the complement: PCBD1 is on the minus strand). VCF-style: chr10-70884003-G-A. GRCh37 (hg19) VCF-style: chr10-72643760-G-A.
Other names: c.262C>T (NM_000281.2); c.115C>T, p.Arg39Trp (NM_001289797.2); c.216+1149C>T (NM_001323004.2); short protein forms R88W, R39W.
Identifiers: ClinVar variation 1384033 (VCV001384033.7), dbSNP rs564505637, ClinGen allele CA5541575.